The following is an entry in ClinVar:

ClinVar aggregate classification (germline): Uncertain significance (1 of 4 stars; one submission).

Submission:

Greenwood Genetic Center Diagnostic Laboratories, Greenwood Genetic Center
Classification: Uncertain significance. Last evaluated: 2025-05-02. Review status: criteria provided, single submitter. Criteria: ACMG Guidelines, 2015. Collection method: clinical testing. Allele origin: germline. Affected: yes.
Comment: PM2

NM_005862.3(STAG1):c.1428G>A (p.Glu476=)

Gene: STAG1 (STAG1 cohesin complex component; minus strand). Cytogenetic location: 3q22.3.
Variant type: single nucleotide variant.
Coding change: c.1428G>A on transcript NM_005862.3 (MANE Select); coding-DNA position 1428, G replaced by A.
Protein change: p.Glu476=; no amino-acid change (glutamic acid 476 retained).
Molecular consequence: synonymous variant.
Genome position (GRCh38, 1-based): chr3:136,452,033, C>T on the plus strand (G>A on the coding strand, the complement: STAG1 is on the minus strand). VCF-style: chr3-136452033-C-T. GRCh37 (hg19) VCF-style: chr3-136170875-C-T.
Identifiers: ClinVar variation 4538205 (VCV004538205.1).